The following is an entry in ClinVar:

NM_000475.5(NR0B1):c.998_1001dup (p.Pro335fs)

Gene: NR0B1 (nuclear receptor subfamily 0 group B member 1; minus strand). Cytogenetic location: Xp21.2.
Variant type: Duplication.
Coding change: c.998_1001dup on transcript NM_000475.5 (MANE Select); coding-DNA positions 998 to 1001, 4 bases duplicated (CACT; older notation c.998_1001dupCACT).
Protein change: p.Pro335fs; shifts the reading frame from proline 335.
Molecular consequence: frameshift variant.
Genome position (GRCh38, 1-based): chrX:30,308,363-30,308,366, AGTG duplicated on the plus strand (CACT on the coding strand, the reverse complement: NR0B1 is on the minus strand). VCF-style (leftmost placement, unchanged base first): chrX-30308362-C-CAGTG. GRCh37 (hg19) VCF-style: chrX-30326479-C-CAGTG.
Other names: short protein forms P335fs.
Identifiers: ClinVar variation 994658 (VCV000994658.1), dbSNP rs1926565370, ClinGen allele CA1139667338.
Genomic context (GRCh38, chrX:30,308,362, plus strand): 5'-GGAGGGCACCTTCCTGGCCTCCGCCGGCGGTGCCAAATGGTGCTGCAGCGTGGGCACGGG[C>CAGTG]AGTGGCTCGTTGCCCCCGGTCTCCCGCCGCCTGGTGGTGAGGATCTTCTGCAGCATGCTG-3'

ClinVar aggregate classification (germline): Pathogenic (1 of 4 stars; one submission).

Submission:

Athena Diagnostics
Classification: Pathogenic. Last evaluated: 2020-03-04. Review status: criteria provided, single submitter. Criteria: Athena Diagnostics Criteria. Collection method: clinical testing. Allele origin: unknown.
Comment: The variant results in a shift of the reading frame, and is therefore predicted to result in the loss of a functional protein. Found in at least one patient with expected phenotype for this gene, and not found in general population data.

Literature cited by the submitters: PubMed 24197767.